The following is an entry in ClinVar:

NM_001105247.2(ARMC5):c.327dup (p.Ala110fs)

Genes: ARMC5 (armadillo repeat containing 5; plus strand), LOC130058906 (ATAC-STARR-seq lymphoblastoid silent region 7419; plus strand). Cytogenetic location: 16p11.2.
Variant type: Duplication.
Coding change: c.327dup on transcript NM_001105247.2 (MANE Select); coding-DNA position 327, one base duplicated (C; older notation c.327dupC).
Protein change: p.Ala110fs; shifts the reading frame from alanine 110.
Molecular consequence: frameshift variant.
Genome position (GRCh38, 1-based): chr16:31,459,851, C duplicated; the last of 4 consecutive C bases (chr16:31,459,848-31,459,851); duplicating any one gives the same sequence. VCF-style (leftmost placement, unchanged base first): chr16-31459847-G-GC. GRCh37 (hg19) VCF-style: chr16-31471168-G-GC.
Other names: c.612dup, p.Ala205fs (NM_001288767.2); c.423dup, p.Ala142fs (NM_001301820.1); c.327dup, p.Ala110fs (NM_024742.2); short protein forms A110fs, A142fs, A205fs.
Identifiers: ClinVar variation 3031151 (VCV003031151.2), dbSNP rs1351158680, ClinGen allele CA622173938.

ClinVar aggregate classification (germline): Pathogenic (0 of 4 stars; one submission).

Conditions:
ARMC5-related disorder. Also called: ARMC5-related condition.

Submission:

PreventionGenetics, part of Exact Sciences
Classification: Pathogenic for ARMC5-related condition. Last evaluated: 2023-11-13. Review status: no assertion criteria provided. Collection method: clinical testing. Allele origin: germline.
Comment: The ARMC5 c.612dupC variant is predicted to result in a frameshift and premature protein termination (p.Ala205Argfs*9). This variant is alternatively referred to as c.327dupC (p.Ala110Argfs*9) using the primary transcript, NM_001105247.2. This variant has been reported to segregate in individuals from a large French-Canadian kindred with clinical or subclinical Cushing's syndrome (Bourdeau et al. 2016. PubMed ID: 26604299; Table 2, Lao et al. 2022. PubMed ID: 35687106). It has also been reported as a somatic event in individuals with primary macronodular adrenocortical hyperplasia (Table 1, Stratakis et al. 2019. PubMed ID: 32864505). This variant has not been reported in a large population database, indicating this variant is rare. Frameshift variants in ARMC5 are expected to be pathogenic. This variant is interpreted as pathogenic.